The following is an entry in ClinVar:

NM_001370298.3(FGD4):c.*1492T>G

Gene: FGD4 (FYVE, RhoGEF and PH domain containing 4; plus strand). Cytogenetic location: 12p11.21.
Variant type: single nucleotide variant.
Coding change: c.*1492T>G on transcript NM_001370298.3 (MANE Select); 1492 bases downstream of the stop codon, T replaced by G.
Molecular consequence: 3 prime UTR variant. On other transcripts: intron variant (3).
Genome position (GRCh38, 1-based): chr12:32,642,025, T>G. VCF-style: chr12-32642025-T-G. GRCh37 (hg19) VCF-style: chr12-32794959-T-G.
Other names: c.*1492T>G (NM_001304481.2, NM_001304484.2, NM_001330373.2 and 5 more transcripts); c.2632+1572T>G (NM_001384126.1); c.2221+1572T>G (NM_001384127.1, NM_001384128.1).
Identifiers: ClinVar variation 308320 (VCV000308320.6), dbSNP rs7980205, ClinGen allele CA10641857.

ClinVar aggregate classification (germline): Benign. Review status: criteria provided, multiple submitters, no conflicts (2 of 4 stars). 2 submissions from 2 submitters: Benign (2). Last evaluated 2018-01-13.

Conditions:
Charcot-Marie-Tooth disease type 4H (CMT4H). Also called: CHARCOT-MARIE-TOOTH DISEASE, AUTOSOMAL RECESSIVE, TYPE 4H; CHARCOT-MARIE-TOOTH DISEASE, DEMYELINATING, AUTOSOMAL RECESSIVE, TYPE 4H; CHARCOT-MARIE-TOOTH NEUROPATHY, TYPE 4H; CHARCOT-MARIE-TOOTH DISEASE, DEMYELINATING, TYPE 4H. Identifiers: Orphanet 99954, MedGen C1836336, MONDO:0012250, OMIM 609311.

Allele frequency attached by ClinVar (database versions not stated): 1000 Genomes Project 30x 0.36618; gnomAD 0.34985; TOPMed 0.35683; 1000 Genomes Project 0.36182.

Submissions (2):

Illumina Laboratory Services, Illumina
Classification: Benign for Charcot-Marie-Tooth disease type 4H. Last evaluated: 2018-01-13. Review status: criteria provided, single submitter. Criteria: ICSL Variant Classification Criteria 13 December 2019. Collection method: clinical testing. Allele origin: germline.
Comment: This variant was observed in the ICSL laboratory as part of a predisposition screen in an ostensibly healthy population. It had not been previously curated by ICSL or reported in the Human Gene Mutation Database (HGMD: prior to June 1st, 2018), and was therefore a candidate for classification through an automated scoring system. Utilizing variant allele frequency, disease prevalence and penetrance estimates, and inheritance mode, an automated score was calculated to assess if this variant is too frequent to cause the disease. Based on the score and internal cut-off values, a variant classified as benign is not then subjected to further curation. The score for this variant resulted in a classification of benign for this disease.

Breakthrough Genomics
Classification: Benign. Review status: criteria provided, single submitter. Criteria: ACMG Guidelines, 2015. Collection method: not provided. Allele origin: germline. Inheritance: Autosomal recessive inheritance. Affected: yes.